The following is an entry in ClinVar:

ClinVar aggregate classification (germline): Conflicting classifications of pathogenicity. Review status: criteria provided, conflicting classifications (1 of 4 stars). 3 submissions from 3 submitters: Uncertain significance (2); Likely benign (1). Last evaluated 2026-02-27.

Conditions:
SMCHD1-related disorder. Also called: SMCHD1-related condition.
Facioscapulohumeral muscular dystrophy 2 (FSHD2). Also called: MUSCULAR DYSTROPHY, FACIOSCAPULOHUMERAL, TYPE 1B; FACIOSCAPULOHUMERAL MUSCULAR DYSTROPHY 2, DIGENIC; FSHD2, DIGENIC. Identifiers: Orphanet 269, MedGen C1834671, MONDO:0008031, OMIM 158901.

Allele frequency attached by ClinVar (database versions not stated): TOPMed 0.00004; ExAC 0.00005; gnomAD 0.00006; ESP Exome Variant Server 0.00009; gnomAD exomes 0.00015.
gnomAD v4.1: 207 of 1,523,680 alleles (0.014%); highest among the groups gnomAD compares: Non-Finnish European, 0.018%; no homozygotes.

Submissions (3):

PreventionGenetics, part of Exact Sciences
Classification: Likely benign for SMCHD1-related condition. Last evaluated: 2026-02-27. Review status: criteria provided, single submitter. Criteria: ACMG Guidelines, 2015. Collection method: clinical testing. Allele origin: germline.
Comment: This variant is classified as likely benign based on ACMG/AMP sequence variant interpretation guidelines (Richards et al. 2015 PMID: 25741868, with internal and published modifications).

Labcorp Genetics (formerly Invitae), Labcorp
Classification: Uncertain significance for Facioscapulohumeral muscular dystrophy 2. Last evaluated: 2025-11-23. Review status: criteria provided, single submitter. Criteria: Invitae Variant Classification Sherloc (09022015). Collection method: clinical testing. Allele origin: germline.
Comment: This sequence change falls in intron 17 of the SMCHD1 gene. It does not directly change the encoded amino acid sequence of the SMCHD1 protein. It affects a nucleotide within the consensus splice site. This variant is present in population databases (rs374196923, gnomAD 0.007%). This variant has not been reported in the literature in individuals affected with SMCHD1-related conditions. ClinVar contains an entry for this variant (Variation ID: 2042317). Variants that disrupt the consensus splice site are a relatively common cause of aberrant splicing (PMID: 17576681, 9536098). Algorithms developed to predict the effect of sequence changes on RNA splicing suggest that this variant is not likely to affect RNA splicing. In summary, the available evidence is currently insufficient to determine the role of this variant in disease. Therefore, it has been classified as a Variant of Uncertain Significance.

Revvity Omics, Revvity
Classification: Uncertain significance. Last evaluated: 2020-02-24. Review status: criteria provided, single submitter. Criteria: ACMG Guidelines, 2015. Collection method: clinical testing. Allele origin: germline.

Literature cited by the submitters: PubMed 17576681 (cited by Labcorp Genetics (formerly Invitae), Labcorp); PubMed 9536098 (cited by Labcorp Genetics (formerly Invitae), Labcorp).

NM_015295.3(SMCHD1):c.2260+3A>G

Gene: SMCHD1 (structural maintenance of chromosomes flexible hinge domain containing 1; plus strand). Cytogenetic location: 18p11.32.
Variant type: single nucleotide variant.
Coding change: c.2260+3A>G on transcript NM_015295.3 (MANE Select); 3 bases into the intron after coding-DNA position 2260, A replaced by G.
Molecular consequence: intron variant.
Genome position (GRCh38, 1-based): chr18:2,707,923, A>G. VCF-style: chr18-2707923-A-G. GRCh37 (hg19) VCF-style: chr18-2707921-A-G.
Other names: c.2260+3A>G (NM_015295.2).
Identifiers: ClinVar variation 2042317 (VCV002042317.8), dbSNP rs374196923, ClinGen allele CA8870923.
Genomic context (GRCh38, chr18:2,707,923, plus strand): 5'-GGAACAAGCCATGGAGGGTCAAAGAAACTCCTGGTTGAGCTCAAAGTTATTTTACATTGT[A>G]AGTATACAAACTAATTTAGATCTTTAATATTGTTTTTAAAATATAATATCAAATTAAATA-3'